The following is an entry in ClinVar:

ClinVar aggregate classification (germline): Uncertain significance. Review status: criteria provided, multiple submitters, no conflicts (2 of 4 stars). 2 submissions from 2 submitters: Uncertain significance (2). Last evaluated 2025-12-17.

Conditions:
Hereditary cancer-predisposing syndrome. Also called: Neoplastic Syndromes, Hereditary; Hereditary neoplastic syndrome; Tumor predisposition; Hereditary Cancer Syndrome. Identifiers: Orphanet 140162, MedGen C0027672, MeSH D009386, MONDO:0015356.
Tumor predisposition syndrome 3 (TPDS3). Also called: Melanoma, cutaneous malignant, susceptibility to, 10; Glioma susceptibility 9; LONG TELOMERE SYNDROME, POT1-RELATED; POT1 Tumor Predisposition. Identifiers: Orphanet 618, MedGen C4014476, MONDO:0014368, OMIM 615848.

gnomAD v4.1: 1 of 1,613,924 alleles (0.000062%); highest among the groups gnomAD compares: East Asian, 0.0022%; no homozygotes.

Submissions (2):

Labcorp Genetics (formerly Invitae), Labcorp
Classification: Uncertain significance for Tumor predisposition syndrome 3. Last evaluated: 2025-12-17. Review status: criteria provided, single submitter. Criteria: Invitae Variant Classification Sherloc (09022015). Collection method: clinical testing. Allele origin: germline.
Comment: This sequence change replaces threonine, which is neutral and polar, with serine, which is neutral and polar, at codon 142 of the POT1 protein (p.Thr142Ser). This variant is not present in population databases (gnomAD no frequency). This variant has not been reported in the literature in individuals affected with POT1-related conditions. ClinVar contains an entry for this variant (Variation ID: 856721). Invitae Evidence Modeling of protein sequence and biophysical properties (such as structural, functional, and spatial information, amino acid conservation, physicochemical variation, residue mobility, and thermodynamic stability) indicates that this missense variant is not expected to disrupt POT1 protein function with a negative predictive value of 80%. In summary, the available evidence is currently insufficient to determine the role of this variant in disease. Therefore, it has been classified as a Variant of Uncertain Significance.

Ambry Genetics
Classification: Uncertain significance for Hereditary cancer-predisposing syndrome. Last evaluated: 2024-08-20. Review status: criteria provided, single submitter. Criteria: Ambry Variant Classification Scheme 2023. Collection method: clinical testing. Allele origin: germline.
Comment: The p.T142S variant (also known as c.424A>T), located in coding exon 4 of the POT1 gene, results from an A to T substitution at nucleotide position 424. The threonine at codon 142 is replaced by serine, an amino acid with similar properties. This amino acid position is conserved. In addition, this alteration is predicted to be tolerated by in silico analysis. Based on the available evidence, the clinical significance of this variant remains unclear.

NM_015450.3(POT1):c.424A>T (p.Thr142Ser)

Gene: POT1 (protection of telomeres 1; minus strand). Cytogenetic location: 7q31.33.
Variant type: single nucleotide variant.
Coding change: c.424A>T on transcript NM_015450.3 (MANE Select); coding-DNA position 424, A replaced by T.
Protein change: p.Thr142Ser; replaces threonine 142 with serine.
Molecular consequence: missense variant. On other transcripts: non-coding transcript variant (3).
Genome position (GRCh38, 1-based): chr7:124,863,472, T>A on the plus strand (A>T on the coding strand, the complement: POT1 is on the minus strand). VCF-style: chr7-124863472-T-A. GRCh37 (hg19) VCF-style: chr7-124503526-T-A.
Other names: c.31A>T, p.Thr11Ser (NM_001042594.2); short protein forms T11S, T142S.
Identifiers: ClinVar variation 856721 (VCV000856721.11), dbSNP rs1795648162, ClinGen allele CA369059411.
Genomic context (GRCh38, chr7:124,863,472, plus strand): 5'-AATACTGCATTGGCTGAACATCACACAATTTTAGTAATGTCCAAGACGGTGACATATGAG[T>A]AGATGCCCAAACACGTAAGGCTTCTACCATTTTGTGGTCCTCAGTAGTGAAGTTAAAATA-3'
Protein context (NP_056265.2, residues 132-152): MVEALRVWAS[Thr142Ser]HMSPSWTLLK